The following is an entry in ClinVar:

NM_022725.4(FANCF):c.220C>G (p.Arg74Gly)

Gene: FANCF (FA complementation group F; minus strand). Cytogenetic location: 11p14.3.
Variant type: single nucleotide variant.
Coding change: c.220C>G on transcript NM_022725.4 (MANE Select); coding-DNA position 220, C replaced by G.
Protein change: p.Arg74Gly; replaces arginine 74 with glycine.
Molecular consequence: missense variant.
Genome position (GRCh38, 1-based): chr11:22,625,591, G>C on the plus strand (C>G on the coding strand, the complement: FANCF is on the minus strand). VCF-style: chr11-22625591-G-C. GRCh37 (hg19) VCF-style: chr11-22647137-G-C.
Other names: short protein forms R74G.
Identifiers: ClinVar variation 5001056 (VCV005001056.1).
Genomic context (GRCh38, chr11:22,625,591, plus strand): 5'-AGAGCAGGACGTCACAGTGACCGAGGGCCTGGAAGTTCGCTAATCCCGGAACTGGACCCC[G>C]CCCAAAGCCGCCCTCTTGCCTCCACTGGTTGTGCAGCCGCCGCTCCAGAGCCGTGCGAAT-3'
Protein context (NP_073562.1, residues 64-84): NQWRQEGGFG[Arg74Gly]GPVPGLANFQ

ClinVar aggregate classification (germline): Uncertain significance (1 of 4 stars; one submission).

Conditions:
FANCF-related disorder. Also called: FANCF-related condition.

Submission:

PreventionGenetics, part of Exact Sciences
Classification: Uncertain significance for FANCF-related condition. Last evaluated: 2024-10-16. Review status: criteria provided, single submitter. Criteria: ACMG Guidelines, 2015. Collection method: clinical testing. Allele origin: germline.
Comment: The FANCF c.220C>G variant is predicted to result in the amino acid substitution p.Arg74Gly. To our knowledge, this variant has not been reported in the literature or in a large population database (gnomAD), indicating this variant is rare. At this time, the clinical significance of this variant is uncertain due to the absence of conclusive functional and genetic evidence.